The following is an entry in ClinVar:

ClinVar aggregate classification (germline): Likely benign (1 of 4 stars; one submission).

Submission:

CeGaT Center for Human Genetics Tuebingen
Classification: Likely benign. Last evaluated: 2026-07-01. Review status: criteria provided, single submitter. Criteria: CeGaT Center For Human Genetics Tuebingen Variant Classification Criteria Version 2. Collection method: clinical testing. Allele origin: germline. Affected: yes. Observed: 7 variant alleles.
Comment: FMN2: BP4, BP7

NM_020066.5(FMN2):c.3264T>G (p.Pro1088=)

Gene: FMN2 (formin 2; plus strand). Cytogenetic location: 1q43.
Variant type: single nucleotide variant.
Coding change: c.3264T>G on transcript NM_020066.5 (MANE Select); coding-DNA position 3264, T replaced by G.
Protein change: p.Pro1088=; no amino-acid change (proline 1088 retained).
Molecular consequence: synonymous variant. On other transcripts: intron variant (1).
Genome position (GRCh38, 1-based): chr1:240,208,076, T>G. VCF-style: chr1-240208076-T-G. GRCh37 (hg19) VCF-style: chr1-240371376-T-G.
Other names: c.3276T>G, p.Pro1092= (NM_001305424.2); c.1986+19814T>G (NM_001348094.2).
Identifiers: ClinVar variation 2640177 (VCV002640177.24), dbSNP rs548950268, ClinGen allele CA1477065.